The following is an entry in ClinVar:

ClinVar aggregate classification (germline): Uncertain significance (1 of 4 stars; one submission).

Conditions:
Neonatal-onset encephalopathy with rigidity and seizures. Also called: Lethal neonatal spasticity-epileptic encephalopathy syndrome. Identifiers: Orphanet 435845, MedGen C3281029, MONDO:0013784, OMIM 614498.

Allele frequency attached by ClinVar (database versions not stated): gnomAD 0.00001; gnomAD exomes 0.00001.

Submission:

Labcorp Genetics (formerly Invitae), Labcorp
Classification: Uncertain significance for Neonatal-onset encephalopathy with rigidity and seizures. Last evaluated: 2023-12-07. Review status: criteria provided, single submitter. Criteria: Invitae Variant Classification Sherloc (09022015). Collection method: clinical testing. Allele origin: germline.
Comment: This sequence change replaces serine, which is neutral and polar, with arginine, which is basic and polar, at codon 459 of the BRAT1 protein (p.Ser459Arg). The frequency data for this variant in the population databases is considered unreliable, as metrics indicate poor data quality at this position in the gnomAD database. This variant has not been reported in the literature in individuals affected with BRAT1-related conditions. ClinVar contains an entry for this variant (Variation ID: 1979988). Advanced modeling of protein sequence and biophysical properties (such as structural, functional, and spatial information, amino acid conservation, physicochemical variation, residue mobility, and thermodynamic stability) performed at Invitae indicates that this missense variant is not expected to disrupt BRAT1 protein function with a negative predictive value of 80%. In summary, the available evidence is currently insufficient to determine the role of this variant in disease. Therefore, it has been classified as a Variant of Uncertain Significance.

NM_152743.4(BRAT1):c.1377C>G (p.Ser459Arg)

Gene: BRAT1 (BRCA1 associated ATM activator 1; minus strand). Cytogenetic location: 7p22.3.
Variant type: single nucleotide variant.
Coding change: c.1377C>G on transcript NM_152743.4 (MANE Select); coding-DNA position 1377, C replaced by G.
Protein change: p.Ser459Arg; replaces serine 459 with arginine.
Molecular consequence: missense variant. On other transcripts: non-coding transcript variant (1).
Genome position (GRCh38, 1-based): chr7:2,540,997, G>C on the plus strand (C>G on the coding strand, the complement: BRAT1 is on the minus strand). VCF-style: chr7-2540997-G-C. GRCh37 (hg19) VCF-style: chr7-2580631-G-C.
Other names: c.1377C>G, p.Ser459Arg (NM_001350626.2); c.852C>G, p.Ser284Arg (NM_001350627.2); short protein forms S284R, S459R.
Identifiers: ClinVar variation 1979988 (VCV001979988.3), dbSNP rs1204722246, ClinGen allele CA366628686.